The following is an entry in ClinVar:

ClinVar aggregate classification (germline): Uncertain significance (1 of 4 stars; one submission).

Allele frequency attached by ClinVar (database versions not stated): gnomAD 0.00001; TOPMed 0.00001.

Submission:

Labcorp Genetics (formerly Invitae), Labcorp
Classification: Uncertain significance. Last evaluated: 2022-08-09. Review status: criteria provided, single submitter. Criteria: Invitae Variant Classification Sherloc (09022015). Collection method: clinical testing. Allele origin: germline.
Comment: In summary, the available evidence is currently insufficient to determine the role of this variant in disease. Therefore, it has been classified as a Variant of Uncertain Significance. Algorithms developed to predict the effect of missense changes on protein structure and function (SIFT, PolyPhen-2, Align-GVGD) all suggest that this variant is likely to be tolerated. This variant has not been reported in the literature in individuals affected with AP3B2-related conditions. This variant is not present in population databases (gnomAD no frequency). This sequence change replaces histidine, which is basic and polar, with tyrosine, which is neutral and polar, at codon 24 of the AP3B2 protein (p.His24Tyr).

NM_001278512.2(AP3B2):c.70C>T (p.His24Tyr)

Genes: AP3B2 (adaptor related protein complex 3 subunit beta 2; minus strand), LOC130057772 (ATAC-STARR-seq lymphoblastoid silent region 6752; plus strand). Cytogenetic location: 15q25.2.
Variant type: single nucleotide variant.
Coding change: c.70C>T on transcript NM_001278512.2 (MANE Select); coding-DNA position 70, C replaced by T.
Protein change: p.His24Tyr; replaces histidine 24 with tyrosine.
Molecular consequence: missense variant.
Genome position (GRCh38, 1-based): chr15:82,709,637, G>A on the plus strand (C>T on the coding strand, the complement: AP3B2 is on the minus strand). VCF-style: chr15-82709637-G-A. GRCh37 (hg19) VCF-style: chr15-83378389-G-A.
Other names: c.70C>T, p.His24Tyr (NM_001278511.2, NM_001348440.2, NM_004644.5); short protein forms H24Y.
Identifiers: ClinVar variation 2121632 (VCV002121632.4), dbSNP rs1186626632, ClinGen allele CA393307528.